The following is an entry in ClinVar:

ClinVar aggregate classification (germline): Conflicting classifications of pathogenicity. Review status: criteria provided, conflicting classifications (1 of 4 stars). 4 submissions from 4 submitters: Uncertain significance (1); Likely benign (3). Last evaluated 2025-12-20.

Conditions:
Dermatofibrosis lenticularis disseminata (BOS). Also called: DERMATOFIBROSIS LENTICULARIS DISSEMINATA WITH OSTEOPOIKILOSIS; DERMATOOSTEOPOIKILOSIS; OSTEOPATHIA CONDENSANS DISSEMINATA. Identifiers: Orphanet 1306, MedGen C0265514, MONDO:0008157, OMIM 166700.
Inborn genetic diseases. Identifiers: MedGen C0950123, MeSH D030342.

Allele frequency attached by ClinVar (database versions not stated): gnomAD 0.00002 and 0.00003; TOPMed 0.00003; gnomAD exomes 0.00009 and 0.00013; ExAC 0.00012.
gnomAD v4.1: 85 of 1,614,090 alleles (0.0053%); highest among the groups gnomAD compares: East Asian, 0.18%; no homozygotes.

Submissions (4):

Labcorp Genetics (formerly Invitae), Labcorp
Classification: Likely benign. Last evaluated: 2025-12-20. Review status: criteria provided, single submitter. Criteria: Invitae Variant Classification Sherloc (09022015). Collection method: clinical testing. Allele origin: germline.

Ambry Genetics
Classification: Uncertain significance for Inborn genetic diseases. Last evaluated: 2025-08-29. Review status: criteria provided, single submitter. Criteria: Ambry Variant Classification Scheme 2023. Collection method: clinical testing. Allele origin: germline.

Illumina Laboratory Services, Illumina
Classification: Likely benign for Dermatofibrosis lenticularis disseminata. Last evaluated: 2018-01-12. Review status: criteria provided, single submitter. Criteria: ICSL Variant Classification Criteria 13 December 2019. Collection method: clinical testing. Allele origin: germline.
Comment: This variant was observed in the ICSL laboratory as part of a predisposition screen in an ostensibly healthy population. It had not been previously curated by ICSL or reported in the Human Gene Mutation Database (HGMD: prior to June 1st, 2018), and was therefore a candidate for classification through an automated scoring system. Utilizing variant allele frequency, disease prevalence and penetrance estimates, and inheritance mode, an automated score was calculated to assess if this variant is too frequent to cause the disease. Based on the score and internal cut-off values, a variant classified as likely benign is not then subjected to further curation. The score for this variant resulted in a classification of likely benign for this disease.

Breakthrough Genomics
Classification: Likely benign. Review status: criteria provided, single submitter. Criteria: ACMG Guidelines, 2015. Collection method: not provided. Allele origin: germline. Inheritance: Autosomal dominant inheritance. Affected: yes.

NM_014319.5(LEMD3):c.1304C>A (p.Thr435Asn)

Gene: LEMD3 (LEM domain containing 3; plus strand). Cytogenetic location: 12q14.3.
Variant type: single nucleotide variant.
Coding change: c.1304C>A on transcript NM_014319.5 (MANE Select); coding-DNA position 1304, C replaced by A.
Protein change: p.Thr435Asn; replaces threonine 435 with asparagine.
Molecular consequence: missense variant.
Genome position (GRCh38, 1-based): chr12:65,170,900, C>A. VCF-style: chr12-65170900-C-A. GRCh37 (hg19) VCF-style: chr12-65564680-C-A.
Other names: c.1304C>A, p.Thr435Asn (NM_001167614.2); short protein forms T435N.
Identifiers: ClinVar variation 883455 (VCV000883455.10), dbSNP rs768302841, ClinGen allele CA6670884.